The following is an entry in ClinVar:

ClinVar aggregate classification (germline): Conflicting classifications of pathogenicity. Review status: criteria provided, conflicting classifications (1 of 4 stars). 6 submissions from 6 submitters: Uncertain significance (3); Likely benign (3). Last evaluated 2026-06-20.

Conditions:
CHD7-related disorder. Also called: CHD7-related condition.
CHARGE syndrome (CHARGE). Also called: Hittner Hirsch Kreh syndrome; Coloboma, heart anomaly, choanal atresia, retardation, genital and ear anomalies; CHARGE association; Hall-Hittner syndrome; CHARGE ASSOCIATION--COLOBOMA, HEART ANOMALY, CHOANAL ATRESIA, RETARDATION, GENITAL AND EAR ANOMALIES. Identifiers: Orphanet 138, MedGen C0265354, MONDO:0008965.
Inborn genetic diseases. Identifiers: MedGen C0950123, MeSH D030342.

Allele frequency attached by ClinVar (database versions not stated): gnomAD exomes below 0.00001; ExAC 0.00001; TOPMed 0.00004; gnomAD 0.00008 and 0.00009.
gnomAD v4.1: 19 of 1,613,828 alleles (0.0012%); highest among the groups gnomAD compares: Admixed American, 0.022%; no homozygotes.

Submissions (6):

PreventionGenetics, part of Exact Sciences
Classification: Uncertain significance for CHD7-related condition. Last evaluated: 2026-06-20. Review status: criteria provided, single submitter. Criteria: ACMG Guidelines, 2015. Collection method: clinical testing. Allele origin: germline.
Comment: The CHD7 c.3241A>G variant is predicted to result in the amino acid substitution p.Ile1081Val. To our knowledge, this variant has not been reported in the literature, but has conflicting interpretations in ClinVar regarding its pathogenicity, ranging from likely benign to variant of uncertain significance (Variation ID: 282588). This variant is reported in a single heterozygous individual of the "Other" population in gnomAD. However, in gnomAD v4 (available only on GRCh38), this variant is reported in 19 alleles globally, which is likely too common for a highly penetrant pathogenic variant in autosomal dominant disorder. An alternate missense alteration at the same amino acid position (p.Ile1081Phe) is classified as likely pathogenic in ClinVar by two submitters, with both cases marked as affected individuals, and one case marked as a de novo finding (Variation ID: 267424). Although we suspect that this variant may be benign, at this time, the clinical significance of this variant is uncertain due to the absence of conclusive functional and genetic evidence.

Labcorp Genetics (formerly Invitae), Labcorp
Classification: Likely benign for CHARGE syndrome. Last evaluated: 2026-01-24. Review status: criteria provided, single submitter. Criteria: Invitae Variant Classification Sherloc (09022015). Collection method: clinical testing. Allele origin: germline.

Blueprint Genetics
Classification: Likely benign. Last evaluated: 2024-09-12. Review status: criteria provided, single submitter. Criteria: ACMG Guidelines, 2015. Collection method: clinical testing. Allele origin: germline.

Revvity Omics, Revvity
Classification: Uncertain significance. Last evaluated: 2021-02-16. Review status: criteria provided, single submitter. Criteria: ACMG Guidelines, 2015. Collection method: clinical testing. Allele origin: germline.

Ambry Genetics
Classification: Likely benign for Inborn genetic diseases. Last evaluated: 2018-03-12. Review status: criteria provided, single submitter. Criteria: Ambry Variant Classification Scheme 2023. Collection method: clinical testing. Allele origin: germline.

Eurofins Ntd Llc (ga)
Classification: Uncertain significance. Last evaluated: 2015-08-13. Review status: criteria provided, single submitter. Criteria: EGL Classification Definitions 2015. Collection method: clinical testing. Allele origin: germline. Observed: 1 variant allele, 1 heterozygote.

NM_017780.4(CHD7):c.3241A>G (p.Ile1081Val)

Gene: CHD7 (chromodomain helicase DNA binding protein 7; plus strand). Cytogenetic location: 8q12.2.
Variant type: single nucleotide variant.
Coding change: c.3241A>G on transcript NM_017780.4 (MANE Select); coding-DNA position 3241, A replaced by G.
Protein change: p.Ile1081Val; replaces isoleucine 1081 with valine.
Molecular consequence: missense variant. On other transcripts: intron variant (1).
Genome position (GRCh38, 1-based): chr8:60,823,879, A>G. VCF-style: chr8-60823879-A-G. GRCh37 (hg19) VCF-style: chr8-61736438-A-G.
Other names: c.1717-38350A>G (NM_001316690.1); short protein forms I1081V.
Identifiers: ClinVar variation 282588 (VCV000282588.22), dbSNP rs768184220, ClinGen allele CA4759919.